The following is an entry in ClinVar:

ClinVar aggregate classification (germline): Conflicting classifications of pathogenicity. Review status: criteria provided, conflicting classifications (1 of 4 stars). 5 submissions from 5 submitters: Uncertain significance (2); Likely benign (3). Last evaluated 2024-10-17.

Conditions:
Oculomaxillofacial dysostosis (OBLFC1). Also called: OCULOMAXILLOFACIAL DYSPLASIA WITH OBLIQUE FACIAL CLEFTS. Identifiers: Orphanet 141258, Orphanet 1794, MedGen C1838348, MONDO:0015824, OMIM 600251.
Teebi hypertelorism syndrome 1. Identifiers: Orphanet 1519, MedGen CN306405, MONDO:0800025, OMIM 145420.
Inborn genetic diseases. Identifiers: MedGen C0950123, MeSH D030342.

Allele frequency attached by ClinVar (database versions not stated): ESP Exome Variant Server 0.00015; 1000 Genomes Project 30x 0.00016; gnomAD exomes 0.00016 and 0.00017; TOPMed 0.00016; ExAC 0.00017; 1000 Genomes Project 0.00020.

Submissions (5):

Labcorp Genetics (formerly Invitae), Labcorp
Classification: Likely benign. Last evaluated: 2024-10-17. Review status: criteria provided, single submitter. Criteria: Invitae Variant Classification Sherloc (09022015). Collection method: clinical testing. Allele origin: germline.

Ambry Genetics
Classification: Likely benign for Inborn genetic diseases. Last evaluated: 2024-04-29. Review status: criteria provided, single submitter. Criteria: Ambry Variant Classification Scheme 2023. Collection method: clinical testing. Allele origin: germline.

CeGaT Center for Human Genetics Tuebingen
Classification: Likely benign. Last evaluated: 2023-12-01. Review status: criteria provided, single submitter. Criteria: CeGaT Center For Human Genetics Tuebingen Variant Classification Criteria Version 2. Collection method: clinical testing. Allele origin: germline. Affected: yes. Observed: 3 variant alleles.
Comment: SPECC1L: BP4, BS1:Supporting

Department of Pathology and Laboratory Medicine, Sinai Health System
Classification: Uncertain significance for Teebi hypertelorism syndrome 1; Oculomaxillofacial dysostosis. Last evaluated: 2021-07-30. Review status: criteria provided, single submitter. Criteria: ACMG Guidelines, 2015. Collection method: research. Allele origin: germline.

GeneDx
Classification: Uncertain significance. Last evaluated: 2019-08-07. Review status: criteria provided, single submitter. Criteria: GeneDx Variant Classification Process June 2021. Collection method: clinical testing. Allele origin: germline. Affected: yes.
Comment: In silico analysis, which includes protein predictors and evolutionary conservation, supports a deleterious effect; Has not been previously published as pathogenic or benign to our knowledge

NM_015330.6(SPECC1L):c.1399C>T (p.Arg467Cys)

Genes: SPECC1L (sperm antigen with calponin homology and coiled-coil domains 1 like; plus strand), SPECC1L-ADORA2A (SPECC1L-ADORA2A readthrough (NMD candidate); plus strand). Cytogenetic location: 22q11.23.
Variant type: single nucleotide variant.
Coding change: c.1399C>T on transcript NM_015330.6 (MANE Select); coding-DNA position 1399, C replaced by T.
Protein change: p.Arg467Cys; replaces arginine 467 with cysteine.
Molecular consequence: missense variant. On other transcripts: non-coding transcript variant (1).
Genome position (GRCh38, 1-based): chr22:24,322,379, C>T. VCF-style: chr22-24322379-C-T. GRCh37 (hg19) VCF-style: chr22-24718347-C-T.
Other names: c.1399C>T, p.Arg467Cys (NM_001145468.4, NM_001254732.3); c.1399C>T (NM_015330.2); short protein forms R467C.
Identifiers: ClinVar variation 1316183 (VCV001316183.33), dbSNP rs145506280, ClinGen allele CA10152111.